The following is an entry in ClinVar:

ClinVar aggregate classification (germline): Uncertain significance (1 of 4 stars; one submission).

Allele frequency attached by ClinVar (database versions not stated): gnomAD exomes below 0.00001.
gnomAD v4.1: 1 of 1,614,008 alleles (0.000062%); highest among the groups gnomAD compares: Admixed American, 0.0017%; no homozygotes.

Submission:

Labcorp Genetics (formerly Invitae), Labcorp
Classification: Uncertain significance. Last evaluated: 2022-05-31. Review status: criteria provided, single submitter. Criteria: Invitae Variant Classification Sherloc (09022015). Collection method: clinical testing. Allele origin: germline.
Comment: This sequence change replaces serine, which is neutral and polar, with asparagine, which is neutral and polar, at codon 349 of the PDHX protein (p.Ser349Asn). This variant is present in population databases (no rsID available, gnomAD 0.003%). This variant has not been reported in the literature in individuals affected with PDHX-related conditions. Algorithms developed to predict the effect of missense changes on protein structure and function (SIFT, PolyPhen-2, Align-GVGD) all suggest that this variant is likely to be tolerated. In summary, the available evidence is currently insufficient to determine the role of this variant in disease. Therefore, it has been classified as a Variant of Uncertain Significance.

NM_003477.3(PDHX):c.1046G>A (p.Ser349Asn)

Gene: PDHX (pyruvate dehydrogenase complex component X; plus strand). Cytogenetic location: 11p13.
Variant type: single nucleotide variant.
Coding change: c.1046G>A on transcript NM_003477.3 (MANE Select); coding-DNA position 1046, G replaced by A.
Protein change: p.Ser349Asn; replaces serine 349 with asparagine.
Molecular consequence: missense variant.
Genome position (GRCh38, 1-based): chr11:34,984,592, G>A. VCF-style: chr11-34984592-G-A. GRCh37 (hg19) VCF-style: chr11-35006139-G-A.
Other names: c.866G>A, p.Ser289Asn (NM_001135024.2); c.365G>A, p.Ser122Asn (NM_001166158.2); short protein forms S349N, S289N, S122N.
Identifiers: ClinVar variation 2001445 (VCV002001445.4), dbSNP rs1400463904, ClinGen allele CA380124133.